The following is an entry in ClinVar:

NM_002887.4(RARS1):c.1807G>T (p.Glu603Ter)

Gene: RARS1 (arginyl-tRNA synthetase 1; plus strand). Cytogenetic location: 5q34.
Variant type: single nucleotide variant.
Coding change: c.1807G>T on transcript NM_002887.4 (MANE Select); coding-DNA position 1807, G replaced by T.
Protein change: p.Glu603Ter; replaces glutamic acid 603 with a stop codon.
Molecular consequence: nonsense.
Genome position (GRCh38, 1-based): chr5:168,517,996, G>T. VCF-style: chr5-168517996-G-T. GRCh37 (hg19) VCF-style: chr5-167945001-G-T.
Other names: short protein forms E603*.
Identifiers: ClinVar variation 1909378 (VCV001909378.5), dbSNP rs1272214299, ClinGen allele CA362086963.

ClinVar aggregate classification (germline): Pathogenic (1 of 4 stars; one submission).

Submission:

Labcorp Genetics (formerly Invitae), Labcorp
Classification: Pathogenic. Last evaluated: 2022-01-27. Review status: criteria provided, single submitter. Criteria: Invitae Variant Classification Sherloc (09022015). Collection method: clinical testing. Allele origin: germline.
Comment: This sequence change creates a premature translational stop signal (p.Glu603*) in the RARS gene. It is expected to result in an absent or disrupted protein product. Loss-of-function variants in RARS are known to be pathogenic (PMID: 24777941). This variant is not present in population databases (gnomAD no frequency). This variant has not been reported in the literature in individuals affected with RARS-related conditions. For these reasons, this variant has been classified as Pathogenic.

Literature cited by the submitters: PubMed 24777941.